The following is an entry in ClinVar:

ClinVar aggregate classification (germline): Benign/Likely benign. Review status: criteria provided, multiple submitters, no conflicts (2 of 4 stars). 4 submissions from 4 submitters: Benign (1); Likely benign (3). Last evaluated 2025-11-03.

Conditions:
Papillary renal cell carcinoma type 1 (RCCP1). Also called: RENAL CELL CARCINOMA, PAPILLARY, 1, SOMATIC; Renal adenocarcinoma; Renal cell carcinoma 1; Renal cell carcinoma, somatic. Identifiers: Orphanet 47044, MedGen C1336839, OMIM 605074, HP:0011797.
MET-related disorder. Also called: MET-related condition.
Hereditary cancer-predisposing syndrome. Also called: Hereditary neoplastic syndrome; Hereditary Cancer Syndrome; Neoplastic Syndromes, Hereditary; Tumor predisposition. Identifiers: Orphanet 140162, MedGen C0027672, MeSH D009386, MONDO:0015356.
Renal cell carcinoma. Identifiers: Orphanet 217071, MedGen C0007134, MeSH D002292, MONDO:0005086, HP:0005584.

Allele frequency attached by ClinVar (database versions not stated): gnomAD 0.00001; TOPMed 0.00001.
gnomAD v4.1: 7 of 1,613,620 alleles (0.00043%); highest among the groups gnomAD compares: Admixed American, 0.0033%; no homozygotes.

Submissions (4):

PreventionGenetics, part of Exact Sciences
Classification: Likely benign for MET-related condition. Last evaluated: 2025-11-03. Review status: criteria provided, single submitter. Criteria: ACMG Guidelines, 2015. Collection method: clinical testing. Allele origin: germline.
Comment: This variant is classified as likely benign based on ACMG/AMP sequence variant interpretation guidelines (Richards et al. 2015 PMID: 25741868, with internal and published modifications).

Labcorp Genetics (formerly Invitae), Labcorp
Classification: Likely benign for Renal cell carcinoma. Last evaluated: 2025-08-13. Review status: criteria provided, single submitter. Criteria: Invitae Variant Classification Sherloc (09022015). Collection method: clinical testing. Allele origin: germline.

Myriad Genetics, Inc.
Classification: Benign for Papillary renal cell carcinoma type 1. Last evaluated: 2024-11-12. Review status: criteria provided, single submitter. Criteria: Myriad Autosomal Dominant, Autosomal Recessive and X-Linked Classification Criteria (2023). Collection method: clinical testing. Allele origin: unknown.
Comment: This variant is considered benign. This variant is a silent/synonymous amino acid change and it is not expected to impact splicing.

Ambry Genetics
Classification: Likely benign for Hereditary cancer-predisposing syndrome. Last evaluated: 2020-03-27. Review status: criteria provided, single submitter. Criteria: Ambry Variant Classification Scheme 2023. Collection method: clinical testing. Allele origin: germline.

NM_000245.4(MET):c.2754C>T (p.Thr918=)

Gene: MET (MET proto-oncogene, receptor tyrosine kinase; plus strand). Cytogenetic location: 7q31.2.
Variant type: single nucleotide variant.
Coding change: c.2754C>T on transcript NM_000245.4 (MANE Select); coding-DNA position 2754, C replaced by T.
Protein change: p.Thr918=; no amino-acid change (threonine 918 retained).
Molecular consequence: synonymous variant.
Genome position (GRCh38, 1-based): chr7:116,771,521, C>T. VCF-style: chr7-116771521-C-T. GRCh37 (hg19) VCF-style: chr7-116411575-C-T.
Other names: c.2808C>T (NM_001127500.2, LRG_662t1); c.2808C>T, p.Thr936= (NM_001127500.3); c.1464C>T, p.Thr488= (NM_001324402.2).
Identifiers: ClinVar variation 524912 (VCV000524912.16), dbSNP rs770886012, ClinGen allele CA4448583.